The following is an entry in ClinVar:

ClinVar aggregate classification (germline): Likely benign. Review status: criteria provided, multiple submitters, no conflicts (2 of 4 stars). 2 submissions from 2 submitters: Likely benign (2). Last evaluated 2025-03-30.

Conditions:
Long QT syndrome (LQTS). Identifiers: MedGen C0023976, MeSH D008133, MONDO:0002442. Disease mechanism: loss of function. Inheritance: Various modes of inheritance.

Allele frequency attached by ClinVar (database versions not stated): TOPMed below 0.00001; gnomAD exomes 0.00003 and 0.00006; ExAC 0.00006.
gnomAD v4.1: 36 of 1,582,790 alleles (0.0023%); highest among the groups gnomAD compares: South Asian, 0.039%; 1 homozygote.

Submissions (2):

Labcorp Genetics (formerly Invitae), Labcorp
Classification: Likely benign for Long QT syndrome. Last evaluated: 2025-03-30. Review status: criteria provided, single submitter. Criteria: Invitae Variant Classification Sherloc (09022015). Collection method: clinical testing. Allele origin: germline.

GeneDx
Classification: Likely benign. Last evaluated: 2016-11-28. Review status: criteria provided, single submitter. Criteria: GeneDx Variant Classification (06012015). Collection method: clinical testing. Allele origin: germline. Affected: yes.
Comment: This variant is considered likely benign or benign based on one or more of the following criteria: it is a conservative change, it occurs at a poorly conserved position in the protein, it is predicted to be benign by multiple in silico algorithms, and/or has population frequency not consistent with disease.

NM_000218.3(KCNQ1):c.922-18C>T

Gene: KCNQ1 (potassium voltage-gated channel subfamily Q member 1; plus strand). Cytogenetic location: 11p15.5.
Variant type: single nucleotide variant.
Coding change: c.922-18C>T on transcript NM_000218.3 (MANE Select); 18 bases into the intron before coding-DNA position 922, C replaced by T.
Molecular consequence: intron variant.
Genome position (GRCh38, 1-based): chr11:2,583,417, C>T. VCF-style: chr11-2583417-C-T. GRCh37 (hg19) VCF-style: chr11-2604647-C-T.
Other names: c.652-18C>T (NM_001406837.1); c.922-18C>T (NM_001406836.1); c.478-18C>T (NM_001406838.1); c.541-18C>T (NM_181798.2).
Identifiers: ClinVar variation 391116 (VCV000391116.6), dbSNP rs750681207, ClinGen allele CA041525.